The following is an entry in ClinVar:

ClinVar aggregate classification (germline): Uncertain significance (1 of 4 stars; one submission).

Submission:

GeneDx
Classification: Uncertain significance. Last evaluated: 2025-05-27. Review status: criteria provided, single submitter. Criteria: GeneDx Variant Classification Process June 2021. Collection method: clinical testing. Allele origin: germline. Affected: yes.
Comment: Not observed at significant frequency in large population cohorts (gnomAD); Frameshift variant predicted to result in protein truncation or nonsense mediated decay in a gene or region of a gene for which loss of function is not a well-established mechanism of disease; Has not been previously published as pathogenic or benign to our knowledge

NM_001252102.2(KIF21B):c.2384del (p.Glu795fs)

Gene: KIF21B (kinesin family member 21B; minus strand). Cytogenetic location: 1q32.1.
Variant type: Deletion.
Coding change: c.2384del on transcript NM_001252102.2 (MANE Select); coding-DNA position 2384, one base deleted (A; older notation c.2384delA).
Protein change: p.Glu795fs; shifts the reading frame from glutamic acid 795.
Molecular consequence: frameshift variant.
Genome position (GRCh38, 1-based): chr1:200,992,283, T deleted on the plus strand (A on the coding strand, the reverse complement: KIF21B is on the minus strand). VCF-style (leftmost placement, unchanged base first): chr1-200992282-CT-C. GRCh37 (hg19) VCF-style: chr1-200961410-CT-C.
Other names: c.2384del, p.Glu795fs (NM_001252100.2, NM_001252103.2, NM_017596.4); short protein forms E795fs.
Identifiers: ClinVar variation 4532479 (VCV004532479.1).